The following is an entry in ClinVar:

NM_052963.3(TOP1MT):c.503A>G (p.Glu168Gly)

Gene: TOP1MT (DNA topoisomerase I mitochondrial; minus strand). Cytogenetic location: 8q24.3.
Variant type: single nucleotide variant.
Coding change: c.503A>G on transcript NM_052963.3 (MANE Select); coding-DNA position 503, A replaced by G.
Protein change: p.Glu168Gly; replaces glutamic acid 168 with glycine.
Molecular consequence: missense variant.
Genome position (GRCh38, 1-based): chr8:143,325,514, T>C on the plus strand (A>G on the coding strand, the complement: TOP1MT is on the minus strand). VCF-style: chr8-143325514-T-C. GRCh37 (hg19) VCF-style: chr8-144407684-T-C.
Other names: c.209A>G, p.Glu70Gly (NM_001258446.1, NM_001258447.1); short protein forms E168G, E70G.
Identifiers: ClinVar variation 2742705 (VCV002742705.3), dbSNP rs200673353, ClinGen allele CA4908797.

ClinVar aggregate classification (germline): Uncertain significance (1 of 4 stars; one submission).

Allele frequency attached by ClinVar (database versions not stated): gnomAD 0.00012; ExAC 0.00015; TOPMed 0.00015; gnomAD exomes 0.00016; 1000 Genomes Project 0.00040; 1000 Genomes Project 30x 0.00062.
gnomAD v4.1: 243 of 1,609,656 alleles (0.015%); highest among the groups gnomAD compares: Admixed American, 0.045%; no homozygotes.

Submission:

Labcorp Genetics (formerly Invitae), Labcorp
Classification: Uncertain significance. Last evaluated: 2024-01-18. Review status: criteria provided, single submitter. Criteria: Invitae Variant Classification Sherloc (09022015). Collection method: clinical testing. Allele origin: germline.
Comment: This sequence change replaces glutamic acid, which is acidic and polar, with glycine, which is neutral and non-polar, at codon 168 of the TOP1MT protein (p.Glu168Gly). This variant is present in population databases (rs200673353, gnomAD 0.06%), and has an allele count higher than expected for a pathogenic variant. This missense change has been observed in individual(s) with a mitochondrial defciency syndrome (PMID: 28819183). Advanced modeling of protein sequence and biophysical properties (such as structural, functional, and spatial information, amino acid conservation, physicochemical variation, residue mobility, and thermodynamic stability) performed at Invitae indicates that this missense variant is not expected to disrupt TOP1MT protein function with a negative predictive value of 80%. Experimental studies have shown that this missense change affects TOP1MT function (PMID: 28819183). In summary, the available evidence is currently insufficient to determine the role of this variant in disease. Therefore, it has been classified as a Variant of Uncertain Significance.

Literature cited by the submitters: PubMed 28819183.